The following is an entry in ClinVar:

ClinVar aggregate classification (germline): Uncertain significance. Review status: criteria provided, multiple submitters, no conflicts (2 of 4 stars). 2 submissions from 2 submitters: Uncertain significance (2). Last evaluated 2026-08-08.

Conditions:
Inborn genetic diseases. Identifiers: MedGen C0950123, MeSH D030342.
Baller-Gerold syndrome (BGS). Also called: CRANIOSYNOSTOSIS WITH RADIAL DEFECTS. Identifiers: Orphanet 1225, MedGen C0265308, MONDO:0009039, OMIM 218600.

gnomAD v4.1: 1 of 1,612,816 alleles (0.000062%); highest among the groups gnomAD compares: South Asian, 0.0011%; no homozygotes.

Submissions (2):

Ambry Genetics
Classification: Uncertain significance for Inborn genetic diseases. Last evaluated: 2026-08-08. Review status: criteria provided, single submitter. Criteria: Ambry Variant Classification Scheme 2023. Collection method: clinical testing. Allele origin: germline.
Comment: The p.A427D variant (also known as c.1280C>A), located in coding exon 7 of the RECQL4 gene, results from a C to A substitution at nucleotide position 1280. The alanine at codon 427 is replaced by aspartic acid, an amino acid with dissimilar properties. This amino acid position is conserved. In addition, this alteration is predicted to be tolerated by in silico analysis. Based on the available evidence, the clinical significance of this variant remains unclear.

Labcorp Genetics (formerly Invitae), Labcorp
Classification: Uncertain significance for Baller-Gerold syndrome. Last evaluated: 2024-09-12. Review status: criteria provided, single submitter. Criteria: Invitae Variant Classification Sherloc (09022015). Collection method: clinical testing. Allele origin: germline.
Comment: This sequence change replaces alanine, which is neutral and non-polar, with aspartic acid, which is acidic and polar, at codon 427 of the RECQL4 protein (p.Ala427Asp). This variant is not present in population databases (gnomAD no frequency). This variant has not been reported in the literature in individuals affected with RECQL4-related conditions. ClinVar contains an entry for this variant (Variation ID: 1422403). Experimental studies and prediction algorithms are not available or were not evaluated, and the functional significance of this variant is currently unknown. In summary, the available evidence is currently insufficient to determine the role of this variant in disease. Therefore, it has been classified as a Variant of Uncertain Significance.

NM_004260.4(RECQL4):c.1280C>A (p.Ala427Asp)

Gene: RECQL4 (RecQ like helicase 4; minus strand). Cytogenetic location: 8q24.3.
Variant type: single nucleotide variant.
Coding change: c.1280C>A on transcript NM_004260.4 (MANE Select); coding-DNA position 1280, C replaced by A.
Protein change: p.Ala427Asp; replaces alanine 427 with aspartic acid.
Molecular consequence: missense variant.
Genome position (GRCh38, 1-based): chr8:144,515,436, G>T on the plus strand (C>A on the coding strand, the complement: RECQL4 is on the minus strand). VCF-style: chr8-144515436-G-T. GRCh37 (hg19) VCF-style: chr8-145740820-G-T.
Other names: c.1280C>A (NM_004260.3); short protein forms A427D.
Identifiers: ClinVar variation 1422403 (VCV001422403.7), dbSNP rs2130708802, ClinGen allele CA372685940.